The following is an entry in ClinVar:

ClinVar aggregate classification (germline): Pathogenic (3 of 4 stars; one submission).

Conditions:
RPGR-related retinopathy. Also called: RPGR retinopathy. Identifiers: MedGen CN305589, MONDO:0100437.

Submission:

ClinGen X-linked Inherited Retinal Disease Variant Curation Expert Panel, ClinGen
Classification: Pathogenic for RPGR-related retinopathy. Last evaluated: 2026-11-20. Review status: reviewed by expert panel. Criteria: ClinGen X LinkedIRD ACMG Specifications RPGR V1.0.0. Collection method: curation. Allele origin: germline. Inheritance: X-linked inheritance.
Comment: NM_001034853.2(RPGR):c.1967del (p.Asp656ValfsTer?) is a frameshift variant caused by a 1-nucleotide deletion, which introduces a premature stop codon in exon 15 of 15 that is predicted to disrupt a critical C-terminal region required for proper glutamylation of RPGR (PVS1, PMID: 36445968). This variant is absent from hemizygous individuals in gnomAD v4.1.2 (PM2_Supporting). At least one proband harboring this variant exhibits the following phenotypes, including Required: <30 years old, has extinguished ERG/FAF, and X-linked inheritance (2 pts), Early-onset (1 pt), female family member reported to be affected (1 pt), reduced visual acuity (0.5 pts), visual field constrictions (0.5 pts), bone spicules (0.5 pts), which together are specific for RPGR-related retinopathy (6.5 Points, PMIDs: 25366773, 33576794, PP4). The variant has been reported to segregate with retinal dystrophy through at least 3 affected meioses from 1 family (PMID: 25366773, PP1_Moderate). In summary, this variant is classified as pathogenic for RPGR-related retinopathy based on the ClinGen X-linked Inherited Retinal Disease Expert Panel Specifications to the ACMG/AMP Variant Interpretation Guidelines for RPGR Version 1.0.0: PVS1, PM2_Supporting, PP4, and PP1_Moderate.

NM_001034853.2(RPGR):c.1967del (p.Asp656fs)

Gene: RPGR (retinitis pigmentosa GTPase regulator; minus strand). Cytogenetic location: Xp11.4.
Variant type: Deletion.
Coding change: c.1967del on transcript NM_001034853.2 (MANE Select); coding-DNA position 1967, one base deleted (A; older notation c.1967delA).
Protein change: p.Asp656fs; shifts the reading frame from aspartic acid 656.
Molecular consequence: frameshift variant. On other transcripts: intron variant (8).
Genome position (GRCh38, 1-based): chrX:38,287,032, T deleted on the plus strand (A on the coding strand, the reverse complement: RPGR is on the minus strand). VCF-style (leftmost placement, unchanged base first): chrX-38287031-AT-A. GRCh37 (hg19) VCF-style: chrX-38146284-AT-A.
Other names: NM_001034853.2:c.1967del; c.1569+3927del (NM_001367249.1, NM_001367250.1); c.1902+62del (NM_001367245.1); c.1386+3927del (NM_001367251.1); c.1719+62del (NM_001367246.1); c.1572+3927del (NM_001367247.1); c.1905+62del (NM_000328.3); c.1602+3927del (NM_001367248.1); short protein forms D656fs.
Identifiers: ClinVar variation 5043496 (VCV005043496.1).
Genomic context (GRCh38, chrX:38,287,031, plus strand): 5'-CTTCTCCCTCTCCTCATCTTGCCAGTGTTCTGCTCCTGAACTACCTTCCTCACAGGTTCC[AT>A]CCCCTCTACCTTCAGGCCCATCCTCTGCTTCTCCCACTGATTTTGCCTTGCCTTCACTCA-3'